The following is an entry in ClinVar:

ClinVar aggregate classification (germline): not provided (0 of 4 stars; one submission).

Allele frequency attached by ClinVar (database versions not stated): TOPMed 0.00061; ESP Exome Variant Server 0.00062; 1000 Genomes Project 0.00120; 1000 Genomes Project 30x 0.00172.
gnomAD v4.1: 199 of 1,572,822 alleles (0.013%); highest among the groups gnomAD compares: African/African-American, 0.24%; no homozygotes.

Submission:

Human Evolutionary Genetics, Institut Pasteur
No classification provided. Review status: no classification provided. Collection method: not provided. Allele origin: germline.
ClinVar note: Converted during submission from untested to not provided.

NM_001384950.1(NLRC5):c.2076-29C>T

Gene: NLRC5 (NLR family CARD domain containing 5; plus strand). Cytogenetic location: 16q13.
Variant type: single nucleotide variant.
Coding change: c.2076-29C>T on transcript NM_001384950.1 (MANE Select); 29 bases into the intron before coding-DNA position 2076, C replaced by T.
Molecular consequence: intron variant.
Genome position (GRCh38, 1-based): chr16:57,028,043, C>T. VCF-style: chr16-57028043-C-T. GRCh37 (hg19) VCF-style: chr16-57061955-C-T.
Other names: c.2076-29C>T (NM_001384954.1, NM_001384953.1, NM_001384957.1 and 19 more transcripts); c.2076-259C>T (NM_001384960.1, NM_001384965.1); c.1905-29C>T (NM_001384972.1).
Identifiers: ClinVar variation 103159 (VCV000103159.2), dbSNP rs199475978, ClinGen allele CA230203.